The following is an entry in ClinVar:

NM_001017420.3(ESCO2):c.1432del (p.Thr478fs)

Gene: ESCO2 (establishment of sister chromatid cohesion N-acetyltransferase 2; plus strand). Cytogenetic location: 8p21.1.
Variant type: Deletion.
Coding change: c.1432del on transcript NM_001017420.3 (MANE Select); coding-DNA position 1432, one base deleted (A; older notation c.1432delA).
Protein change: p.Thr478fs; shifts the reading frame from threonine 478.
Molecular consequence: frameshift variant.
Genome position (GRCh38, 1-based): chr8:27,792,746, A deleted; the last of 5 consecutive A bases (chr8:27,792,742-27,792,746); deleting any one gives the same sequence. VCF-style (leftmost placement, unchanged base first): chr8-27792741-TA-T. GRCh37 (hg19) VCF-style: chr8-27650258-TA-T.
Other names: c.1432delA (NM_001017420.2); short protein forms T478fs.
Identifiers: ClinVar variation 2868417 (VCV002868417.5), dbSNP rs1262117826, ClinGen allele CA580677277.
Genomic context (GRCh38, chr8:27,792,741, plus strand): 5'-AAGAACTTGTTGATAATGAATTGGGCTTCCAGCAAGTTGTTCCTAAATGTCCAAACAAAA[TA>T]AAAACTTTTCTTTTTATATCTGATGAAAAGAGAGTAGTTGGGTGTTTAATTGCAGAACCC-3'

ClinVar aggregate classification (germline): Pathogenic/Likely pathogenic. Review status: criteria provided, multiple submitters, no conflicts (2 of 4 stars). 3 submissions from 3 submitters: Pathogenic (1); Likely pathogenic (2). Last evaluated 2025-03-20.

Conditions:
Juberg-Hayward syndrome (JHS). Also called: OROCRANIODIGITAL SYNDROME; Cleft lip/palate with abnormal thumbs and microcephaly. Identifiers: Orphanet 2319, MedGen C0796099, MONDO:0008992, OMIM 216100.
Roberts-SC phocomelia syndrome (RBS). Also called: ESCO2 Spectrum Disorder; Hypomelia hypotrichosis facial hemangioma syndrome; Pseudothalidomide syndrome; Appelt-Gerken-Lenz syndrome; LONG BONE DEFICIENCIES ASSOCIATED WITH CLEFT LIP-PALATE. Identifiers: Orphanet 3103, MedGen C0392475, MONDO:0100253, OMIM 268300.

Submissions (3):

Natera, Inc.
Classification: Likely pathogenic for Roberts syndrome. Last evaluated: 2025-03-20. Review status: criteria provided, single submitter. Criteria: Natera Variant Classification Schema (03/2026). Collection method: clinical testing. Allele origin: germline.
Comment: The c.1432delA variant in ESCO2 is a frameshift variant predicted to shift the reading frame beginning at codon 478 and leads to a stop codon 11 codons downstream. This variant is expected to result in nonsense mediated decay, truncation, or a dysfunctional protein product. This variant is rare in the general population with a frequency below the threshold expected for the associated phenotype(s). Given the available evidence, this variant is classified as Likely Pathogenic.

Fulgent Genetics
Classification: Likely pathogenic for Juberg-Hayward syndrome; Roberts-SC phocomelia syndrome. Last evaluated: 2024-01-03. Review status: criteria provided, single submitter. Criteria: ACMG Guidelines, 2015. Collection method: clinical testing. Allele origin: germline.

Labcorp Genetics (formerly Invitae), Labcorp
Classification: Pathogenic. Last evaluated: 2023-03-07. Review status: criteria provided, single submitter. Criteria: Invitae Variant Classification Sherloc (09022015). Collection method: clinical testing. Allele origin: germline.
Comment: This sequence change creates a premature translational stop signal (p.Thr478Leufs*11) in the ESCO2 gene. It is expected to result in an absent or disrupted protein product. Loss-of-function variants in ESCO2 are known to be pathogenic (PMID: 15821733, 16380922). This variant is present in population databases (no rsID available, gnomAD 0.003%). This variant has not been reported in the literature in individuals affected with ESCO2-related conditions. Algorithms developed to predict the effect of sequence changes on RNA splicing suggest that this variant may disrupt the consensus splice site. For these reasons, this variant has been classified as Pathogenic.

Literature cited by the submitters: PubMed 15821733 (cited by Labcorp Genetics (formerly Invitae), Labcorp); PubMed 16380922 (cited by Labcorp Genetics (formerly Invitae), Labcorp).